The following is an entry in ClinVar:

NM_014915.3(ANKRD26):c.4550A>G (p.Asn1517Ser)

Gene: ANKRD26 (ankyrin repeat domain containing 26; minus strand). Cytogenetic location: 10p12.1.
Variant type: single nucleotide variant.
Coding change: c.4550A>G on transcript NM_014915.3 (MANE Select); coding-DNA position 4550, A replaced by G.
Protein change: p.Asn1517Ser; replaces asparagine 1517 with serine.
Molecular consequence: missense variant.
Genome position (GRCh38, 1-based): chr10:27,014,668, T>C on the plus strand (A>G on the coding strand, the complement: ANKRD26 is on the minus strand). VCF-style: chr10-27014668-T-C. GRCh37 (hg19) VCF-style: chr10-27303597-T-C.
Other names: c.4547A>G, p.Asn1516Ser (NM_001256053.2); short protein forms N1517S, N1516S.
Identifiers: ClinVar variation 3396187 (VCV003396187.1).

ClinVar aggregate classification (germline): Uncertain significance (1 of 4 stars; one submission).

Conditions:
Inborn genetic diseases. Identifiers: MedGen C0950123, MeSH D030342.

gnomAD v4.1: 3 of 1,613,482 alleles (0.00019%); highest among the groups gnomAD compares: Non-Finnish European, 0.00025%; no homozygotes.

Submission:

Ambry Genetics
Classification: Uncertain significance for Inborn genetic diseases. Last evaluated: 2024-11-28. Review status: criteria provided, single submitter. Criteria: Ambry Variant Classification Scheme 2023. Collection method: clinical testing. Allele origin: germline.
Comment: The p.N1517S variant (also known as c.4550A>G), located in coding exon 31 of the ANKRD26 gene, results from an A to G substitution at nucleotide position 4550. The asparagine at codon 1517 is replaced by serine, an amino acid with highly similar properties. This amino acid position is conserved. In addition, this alteration is predicted to be tolerated by in silico analysis. Based on the available evidence, the clinical significance of this variant remains unclear.